The following is an entry in ClinVar:

NM_002473.6(MYH9):c.2449G>A (p.Ala817Thr)

Gene: MYH9 (myosin heavy chain 9; minus strand). Cytogenetic location: 22q12.3.
Variant type: single nucleotide variant.
Coding change: c.2449G>A on transcript NM_002473.6 (MANE Select); coding-DNA position 2449, G replaced by A.
Protein change: p.Ala817Thr; replaces alanine 817 with threonine.
Molecular consequence: missense variant.
Genome position (GRCh38, 1-based): chr22:36,302,618, C>T on the plus strand (G>A on the coding strand, the complement: MYH9 is on the minus strand). VCF-style: chr22-36302618-C-T. GRCh37 (hg19) VCF-style: chr22-36698664-C-T.
Other names: c.2449G>A (NM_002473.4); short protein forms A817T.
Identifiers: ClinVar variation 1948886 (VCV001948886.7), dbSNP rs528027573, ClinGen allele CA323597931.
Genomic context (GRCh38, chr22:36,302,618, plus strand): 5'-TAGCACGCACCTTGGTGAAGAGCCGCCACCACTGCCAGTTCCGCAGCTTCAGGTAGGCAG[C>T]GCAGTTCCGCTGGAGGACCTTCATGGCGGTAAGCTGCTGCTGCCGCTTGGCAAATGCTCT-3'
Protein context (NP_002464.1, residues 807-827): TAMKVLQRNC[Ala817Thr]AYLKLRNWQW

ClinVar aggregate classification (germline): Uncertain significance. Review status: criteria provided, multiple submitters, no conflicts (2 of 4 stars). 3 submissions from 3 submitters: Uncertain significance (3). Last evaluated 2026-04-24.

Conditions:
MYH9-related disorder. Identifiers: MedGen C1854520.

Allele frequency attached by ClinVar (database versions not stated): TOPMed 0.00001.
gnomAD v4.1: 25 of 1,613,478 alleles (0.0015%); highest among the groups gnomAD compares: Non-Finnish European, 0.0021%; no homozygotes.

Submissions (3):

GeneDx
Classification: Uncertain significance. Last evaluated: 2026-04-24. Review status: criteria provided, single submitter. Criteria: GeneDx Variant Classification Process June 2021. Collection method: clinical testing. Allele origin: germline.
Comment: Not observed at significant frequency in large population cohorts (gnomAD); In silico analysis supports that this missense variant has a deleterious effect on protein structure/function; Has not been previously published as pathogenic or benign to our knowledge

PreventionGenetics, part of Exact Sciences
Classification: Uncertain significance for MYH9-related condition. Last evaluated: 2023-05-22. Review status: criteria provided, single submitter. Criteria: ACMG Guidelines, 2015. Collection method: clinical testing. Allele origin: germline.
Comment: The MYH9 c.2449G>A variant is predicted to result in the amino acid substitution p.Ala817Thr. To our knowledge, this variant has not been reported in the literature or in a large population database, indicating this variant is rare. At this time, the clinical significance of this variant is uncertain due to the absence of conclusive functional and genetic evidence.

Labcorp Genetics (formerly Invitae), Labcorp
Classification: Uncertain significance. Last evaluated: 2022-06-02. Review status: criteria provided, single submitter. Criteria: Invitae Variant Classification Sherloc (09022015). Collection method: clinical testing. Allele origin: germline.
Comment: This variant has not been reported in the literature in individuals affected with MYH9-related conditions. This sequence change replaces alanine, which is neutral and non-polar, with threonine, which is neutral and polar, at codon 817 of the MYH9 protein (p.Ala817Thr). This variant is not present in population databases (gnomAD no frequency). Algorithms developed to predict the effect of missense changes on protein structure and function (SIFT, PolyPhen-2, Align-GVGD) all suggest that this variant is likely to be tolerated. In summary, the available evidence is currently insufficient to determine the role of this variant in disease. Therefore, it has been classified as a Variant of Uncertain Significance.